The following is an entry in ClinVar:

NC_012920.1(MT-RNR1):m.1393G>A

Gene: MT-RNR1 (mitochondrially encoded 12S RNA; plus strand).
Variant type: single nucleotide variant.
Genome position: chrM-1393-G-A.
Identifiers: ClinVar variation 42217 (VCV000042217.6), dbSNP rs111033325, ClinGen allele CA131003.

ClinVar aggregate classification (germline): Benign/Likely benign. Review status: criteria provided, multiple submitters, no conflicts (2 of 4 stars). 2 submissions from 2 submitters: Benign (1); Likely benign (1). Last evaluated 2016-12-29.

Submissions (2):

Center for Pediatric Genomic Medicine, Children's Mercy Hospital and Clinics
Classification: Likely benign. Last evaluated: 2016-12-29. Review status: criteria provided, single submitter. Criteria: ACMG Guidelines, 2015. Collection method: clinical testing. Allele origin: germline.
ClinVar note: Converted during submission from Likely Benign to Likely benign.

Laboratory for Molecular Medicine, Mass General Brigham Personalized Medicine
Classification: Benign. Last evaluated: 2015-08-11. Review status: criteria provided, single submitter. Criteria: LMM Criteria. Collection method: clinical testing. Allele origin: germline. Observed: 5 variant alleles.
Comment: m.1393G>A in MT-RNR1: This variant is not expected to have clinical significance because it is a common variant across multiple haplotypes in a human phylogenet ic database (mito map database).

Literature cited by the submitters: PubMed 17003408 (cited by Laboratory for Molecular Medicine, Mass General Brigham Personalized Medicine); PubMed 20100600 (cited by Laboratory for Molecular Medicine, Mass General Brigham Personalized Medicine).